The following is an entry in ClinVar:

NM_000350.3(ABCA4):c.*26C>A

Gene: ABCA4 (ATP binding cassette subfamily A member 4; minus strand). Cytogenetic location: 1p22.1.
Variant type: single nucleotide variant.
Coding change: c.*26C>A on transcript NM_000350.3 (MANE Select); 26 bases downstream of the stop codon, C replaced by A.
Molecular consequence: 3 prime UTR variant.
Genome position (GRCh38, 1-based): chr1:93,993,211, G>T on the plus strand (C>A on the coding strand, the complement: ABCA4 is on the minus strand). VCF-style: chr1-93993211-G-T. GRCh37 (hg19) VCF-style: chr1-94458767-G-T.
Other names: c.*26C>A (NM_001425324.1).
Identifiers: ClinVar variation 298221 (VCV000298221.6), dbSNP rs200946608, ClinGen allele CA956751.

ClinVar aggregate classification (germline): Likely benign (1 of 4 stars; one submission).

Conditions:
ABCA4-related disorder. Also called: ABCA4-related disorders; ABCA4-related condition. Identifiers: MedGen CN239167.

Allele frequency attached by ClinVar (database versions not stated): ESP Exome Variant Server 0.00031; TOPMed 0.00035; 1000 Genomes Project 30x 0.00047; 1000 Genomes Project 0.00060; gnomAD exomes 0.00169 and 0.00226; gnomAD 0.00182 and 0.00193; ExAC 0.00200.
gnomAD v4.1: 2,719 of 1,613,842 alleles (0.17%); highest among the groups gnomAD compares: Non-Finnish European, 0.11%; 16 homozygotes.

Submission:

Illumina Laboratory Services, Illumina
Classification: Likely benign for ABCA4-Related Disorders. Last evaluated: 2017-04-27. Review status: criteria provided, single submitter. Criteria: ICSL Variant Classification Criteria 13 December 2019. Collection method: clinical testing. Allele origin: germline.
Comment: This variant was observed as part of a predisposition screen in an ostensibly healthy population. A literature search was performed for the gene, cDNA change, and amino acid change (where applicable). No publications were found based on this search. Allele frequency data from public databases allowed determination this variant is unlikely to cause disease. Therefore, this variant is classified as likely benign.